The following is an entry in ClinVar:

ClinVar aggregate classification (germline): Pathogenic (1 of 4 stars; one submission).

Allele frequency attached by ClinVar (database versions not stated): gnomAD 0.00001.

Submission:

Labcorp Genetics (formerly Invitae), Labcorp
Classification: Pathogenic. Last evaluated: 2021-12-11. Review status: criteria provided, single submitter. Criteria: Invitae Variant Classification Sherloc (09022015). Collection method: clinical testing. Allele origin: germline.
Comment: This variant has not been reported in the literature in individuals affected with CDH23-related conditions. For these reasons, this variant has been classified as Pathogenic. This variant is not present in population databases (gnomAD no frequency). This sequence change creates a premature translational stop signal (p.Trp3132Glyfs*25) in the CDH23 gene. It is expected to result in an absent or disrupted protein product. Loss-of-function variants in CDH23 are known to be pathogenic (PMID: 11138009, 21940737).

Literature cited by the submitters: PubMed 11138009; PubMed 21940737.

NM_022124.6(CDH23):c.9393del (p.Trp3132fs)

Gene: CDH23 (cadherin related 23; plus strand). Cytogenetic location: 10q22.1.
Variant type: Deletion.
Coding change: c.9393del on transcript NM_022124.6 (MANE Select); coding-DNA position 9393, one base deleted (G; older notation c.9393delG).
Protein change: p.Trp3132fs; shifts the reading frame from tryptophan 3132.
Molecular consequence: frameshift variant.
Genome position (GRCh38, 1-based): chr10:71,812,492, G deleted. VCF-style (leftmost placement, unchanged base first): chr10-71812491-TG-T. GRCh37 (hg19) VCF-style: chr10-73572248-TG-T.
Other names: c.2673del, p.Trp892fs (NM_001171933.1, NM_001171934.1); c.84del, p.Trp29fs (NM_001171935.1, NM_001171936.1); short protein forms W3132fs, W892fs, W29fs.
Identifiers: ClinVar variation 1457446 (VCV001457446.6), dbSNP rs1841971727, ClinGen allele CA929788528.